The following is an entry in ClinVar:

NM_001374353.1(GLI2):c.1244_1246delinsAGT (p.Val415_Val416delinsGluPhe)

Gene: GLI2 (GLI family zinc finger 2; plus strand). Cytogenetic location: 2q14.2.
Variant type: Indel.
Coding change: c.1244_1246delinsAGT on transcript NM_001374353.1 (MANE Select); coding-DNA positions 1244 to 1246, TGG replaced by AGT.
Protein change: p.Val415_Val416delinsGluPhe.
Molecular consequence: missense variant.
Genome position (GRCh38, 1-based): chr2:120,975,036-120,975,038, TGG replaced by AGT. VCF-style: chr2-120975036-TGG-AGT. GRCh37 (hg19) VCF-style: chr2-121732612-TGG-AGT.
Other names: c.1295_1297delinsAGT, p.Val432_Val433delinsGluPhe (NM_001371271.1, NM_005270.5); c.869_871delinsAGT, p.Val290_Val291delinsGluPhe (NM_001374354.1).
Identifiers: ClinVar variation 2502768 (VCV002502768.1), dbSNP rs2467712569, ClinGen allele CA2580611689.

ClinVar aggregate classification (germline): Uncertain significance (1 of 4 stars; one submission).

Submission:

GeneDx
Classification: Uncertain significance. Last evaluated: 2022-11-18. Review status: criteria provided, single submitter. Criteria: GeneDx Variant Classification Process June 2021. Collection method: clinical testing. Allele origin: germline. Affected: yes.
Comment: Not observed at significant frequency in large population cohorts (gnomAD); In-frame deletion of 2 amino acids and insertion of 2 amino acids in a non-repeat region; In silico analysis supports that this variant does not alter protein structure/function; Has not been previously published as pathogenic or benign to our knowledge